The following is an entry in ClinVar:

ClinVar aggregate classification (germline): Uncertain significance (1 of 4 stars; one submission).

Allele frequency attached by ClinVar (database versions not stated): gnomAD exomes below 0.00001.
gnomAD v4.1: 1 of 1,613,838 alleles (0.000062%); highest among the groups gnomAD compares: Non-Finnish European, 0.000085%; no homozygotes.

Submission:

Labcorp Genetics (formerly Invitae), Labcorp
Classification: Uncertain significance. Last evaluated: 2023-01-06. Review status: criteria provided, single submitter. Criteria: Invitae Variant Classification Sherloc (09022015). Collection method: clinical testing. Allele origin: germline.
Comment: This sequence change replaces isoleucine, which is neutral and non-polar, with valine, which is neutral and non-polar, at codon 28 of the C3 protein (p.Ile28Val). This variant is not present in population databases (gnomAD no frequency). This variant has not been reported in the literature in individuals affected with C3-related conditions. Advanced modeling of protein sequence and biophysical properties (such as structural, functional, and spatial information, amino acid conservation, physicochemical variation, residue mobility, and thermodynamic stability) performed at Invitae indicates that this missense variant is not expected to disrupt C3 protein function. In summary, the available evidence is currently insufficient to determine the role of this variant in disease. Therefore, it has been classified as a Variant of Uncertain Significance.

NM_000064.4(C3):c.82A>G (p.Ile28Val)

Gene: C3 (complement C3; minus strand). Cytogenetic location: 19p13.3.
Variant type: single nucleotide variant.
Coding change: c.82A>G on transcript NM_000064.4 (MANE Select); coding-DNA position 82, A replaced by G.
Protein change: p.Ile28Val; replaces isoleucine 28 with valine.
Molecular consequence: missense variant.
Genome position (GRCh38, 1-based): chr19:6,719,396, T>C on the plus strand (A>G on the coding strand, the complement: C3 is on the minus strand). VCF-style: chr19-6719396-T-C. GRCh37 (hg19) VCF-style: chr19-6719407-T-C.
Other names: short protein forms I28V.
Identifiers: ClinVar variation 2793062 (VCV002793062.3), dbSNP rs2512272247, ClinGen allele CA403646328.
Genomic context (GRCh38, chr19:6,719,396, plus strand): 5'-CGTGGGCCTCCAGCACCATGGTCTCCTCGCTCTCCAGCCGCAAGATGTTGGGGGTGATGA[T>C]AGAGTACCTGTCGGAGTGGGGCACGGGAGTGGGCTTGTCATTCCACGGATGTGAGACGCC-3'
Protein context (NP_000055.2, residues 18-38): PLALGSPMYS[Ile28Val]ITPNILRLES